The following is an entry in ClinVar:

NM_002474.3(MYH11):c.204G>C (p.Lys68Asn)

Gene: MYH11 (myosin heavy chain 11; minus strand). Cytogenetic location: 16p13.11.
Variant type: single nucleotide variant.
Coding change: c.204G>C on transcript NM_002474.3 (MANE Select); coding-DNA position 204, G replaced by C.
Protein change: p.Lys68Asn; replaces lysine 68 with asparagine.
Molecular consequence: missense variant.
Genome position (GRCh38, 1-based): chr16:15,838,049, C>G on the plus strand (G>C on the coding strand, the complement: MYH11 is on the minus strand). VCF-style: chr16-15838049-C-G. GRCh37 (hg19) VCF-style: chr16-15931906-C-G.
Other names: c.204G>C, p.Lys68Asn (NM_001040113.2, NM_001040114.2, NM_022844.3); short protein forms K68N.
Identifiers: ClinVar variation 922009 (VCV000922009.16), dbSNP rs111777997, ClinGen allele CA7923110.
Genomic context (GRCh38, chr16:15,838,049, plus strand): 5'-CTCCACCTTGGAGAACTTGGGTGGGTTCATCTTCTGGATGTCATCTTTCCCAACCGTGAC[C>G]TTCTTGCCATTCTCCACCAGCTCCACAACCACCTCATCCCCCTTCTCCTCCTTAATGCTG-3'
Protein context (NP_002465.1, residues 58-78): VVVELVENGK[Lys68Asn]VTVGKDDIQK

ClinVar aggregate classification (germline): Uncertain significance. Review status: criteria provided, multiple submitters, no conflicts (2 of 4 stars). 7 submissions from 7 submitters: Uncertain significance (7). Last evaluated 2026-05-01.

Conditions:
MYH11-related disorder. Also called: MYH11-related condition.
Familial thoracic aortic aneurysm and aortic dissection (TAAD). Also called: Thoracic aortic aneurysms and dissections. Identifiers: Orphanet 91387, MedGen C4707243, MONDO:0019625.

Allele frequency attached by ClinVar (database versions not stated): ExAC 0.00002; TOPMed 0.00002; gnomAD exomes 0.00005.
gnomAD v4.1: 72 of 1,614,014 alleles (0.0045%); highest among the groups gnomAD compares: Middle Eastern, 0.033%; no homozygotes.

Submissions (7):

CeGaT Center for Human Genetics Tuebingen
Classification: Uncertain significance. Last evaluated: 2026-05-01. Review status: criteria provided, single submitter. Criteria: CeGaT Center For Human Genetics Tuebingen Variant Classification Criteria Version 2. Collection method: clinical testing. Allele origin: germline. Affected: yes. Observed: 1 variant allele.
Comment: MYH11: PM2

PreventionGenetics, part of Exact Sciences
Classification: Uncertain significance for MYH11-related condition. Last evaluated: 2025-08-13. Review status: criteria provided, single submitter. Criteria: ACMG Guidelines, 2015. Collection method: clinical testing. Allele origin: germline.
Comment: The MYH11 c.204G>C variant is predicted to result in the amino acid substitution p.Lys68Asn. To our knowledge, this variant has not been reported in the literature. This variant is reported in 0.016% of alleles in individuals of South Asian descent in gnomAD. At this time, the clinical significance of this variant is uncertain due to the absence of conclusive functional and genetic evidence.

Ambry Genetics
Classification: Uncertain significance for Familial thoracic aortic aneurysm and aortic dissection. Last evaluated: 2025-07-31. Review status: criteria provided, single submitter. Criteria: Ambry Variant Classification Scheme 2023. Collection method: clinical testing. Allele origin: germline.
Comment: The p.K68N variant (also known as c.204G>C), located in coding exon 1 of the MYH11 gene, results from a G to C substitution at nucleotide position 204. The lysine at codon 68 is replaced by asparagine, an amino acid with similar properties. This amino acid position is highly conserved in available vertebrate species. In addition, the in silico prediction for this alteration is inconclusive. Based on the available evidence, the clinical significance of this variant remains unclear.

Color Diagnostics, LLC DBA Color Health
Classification: Uncertain significance for Familial thoracic aortic aneurysm and aortic dissection. Last evaluated: 2025-07-11. Review status: criteria provided, single submitter. Criteria: ACMG Guidelines, 2015. Collection method: clinical testing. Allele origin: germline.
Comment: This missense variant replaces lysine with asparagine at codon 68 of the MYH11 protein. Computational prediction is inconclusive regarding the impact of this variant on protein structure and function. To our knowledge, functional studies have not been reported for this variant. This variant has not been reported in individuals affected with MYH11-related disorders in the literature. This variant has been identified in 9/282878 chromosomes in the general population by the Genome Aggregation Database (gnomAD). The available evidence is insufficient to determine the role of this variant in disease conclusively. Therefore, this variant is classified as a Variant of Uncertain Significance.

All of Us Research Program, National Institutes of Health
Classification: Uncertain significance for Familial thoracic aortic aneurysm and aortic dissection. Last evaluated: 2024-09-23. Review status: criteria provided, single submitter. Criteria: ACMG Guidelines, 2015. Collection method: clinical testing. Allele origin: germline. Inheritance: Autosomal dominant inheritance. Observed: 3 variant alleles, 3 heterozygotes.
Comment: This missense variant replaces lysine with asparagine at codon 68 of the MYH11 protein. Computational prediction is inconclusive regarding the impact of this variant on protein structure and function (internally defined REVEL score threshold 0.5 < inconclusive < 0.7, PMID: 27666373). To our knowledge, functional studies have not been reported for this variant. This variant has not been reported in individuals affected with cardiovascular disorders in the literature. This variant has been identified in 9/282878 chromosomes in the general population by the Genome Aggregation Database (gnomAD). The available evidence is insufficient to determine the role of this variant in disease conclusively. Therefore, this variant is classified as a Variant of Uncertain Significance.

This study involves interpretation of variants in research participants for the purpose of population health screening. Participant phenotype was not available at the time of variant classification. Additional details can be found in publication PMID: 35346344, PMCID: PMC8962531

Centre of Medical Genetics, University of Antwerp
Classification: Uncertain significance for Familial thoracic aortic aneurysm and aortic dissection. Last evaluated: 2024-09-06. Review status: criteria provided, single submitter. Criteria: ACMG Guidelines, 2015. Collection method: clinical testing. Allele origin: germline. Affected: yes.

Breakthrough Genomics
Classification: Uncertain significance. Review status: criteria provided, single submitter. Criteria: ACMG Guidelines, 2015. Collection method: not provided. Allele origin: germline. Inheritance: Autosomal recessive inheritance. Affected: yes.